The following is an entry in ClinVar:

ClinVar aggregate classification (germline): Conflicting classifications of pathogenicity. Review status: criteria provided, conflicting classifications (1 of 4 stars). 2 submissions from 2 submitters: Likely pathogenic (1); Uncertain significance (1). Last evaluated 2025-02-25.

Conditions:
Hereditary cancer-predisposing syndrome. Also called: Neoplastic Syndromes, Hereditary; Tumor predisposition; Hereditary neoplastic syndrome; Hereditary Cancer Syndrome. Identifiers: Orphanet 140162, MedGen C0027672, MeSH D009386, MONDO:0015356.

Submissions (2):

Labcorp Genetics (formerly Invitae), Labcorp
Classification: Uncertain significance. Last evaluated: 2025-02-25. Review status: criteria provided, single submitter. Criteria: Invitae Variant Classification Sherloc (09022015). Collection method: clinical testing. Allele origin: germline.
Comment: This sequence change replaces glycine, which is neutral and non-polar, with glutamic acid, which is acidic and polar, at codon 82 of the FH protein (p.Gly82Glu). This variant is not present in population databases (gnomAD no frequency). This variant has not been reported in the literature in individuals affected with FH-related conditions. ClinVar contains an entry for this variant (Variation ID: 580907). Invitae Evidence Modeling of protein sequence and biophysical properties (such as structural, functional, and spatial information, amino acid conservation, physicochemical variation, residue mobility, and thermodynamic stability) indicates that this missense variant is expected to disrupt FH protein function with a positive predictive value of 95%. In summary, the available evidence is currently insufficient to determine the role of this variant in disease. Therefore, it has been classified as a Variant of Uncertain Significance.

Ambry Genetics
Classification: Likely pathogenic for Hereditary cancer-predisposing syndrome. Last evaluated: 2024-12-31. Review status: criteria provided, single submitter. Criteria: Ambry Variant Classification Scheme 2023. Collection method: clinical testing. Allele origin: germline.
Comment: The p.G82E variant (also known as c.245G>A), located in coding exon 2 of the FH gene, results from a G to A substitution at nucleotide position 245. The glycine at codon 82 is replaced by glutamic acid, an amino acid with similar properties. This amino acid position is highly conserved in available vertebrate species. In addition, this alteration is predicted to be deleterious by in silico analysis. This variant is considered to be rare based on population cohorts in the Genome Aggregation Database (gnomAD). Based on the majority of available evidence to date, this variant is likely to be pathogenic.

NM_000143.4(FH):c.245G>A (p.Gly82Glu)

Gene: FH (fumarate hydratase; minus strand). Cytogenetic location: 1q43.
Variant type: single nucleotide variant.
Coding change: c.245G>A on transcript NM_000143.4 (MANE Select); coding-DNA position 245, G replaced by A.
Protein change: p.Gly82Glu; replaces glycine 82 with glutamic acid.
Molecular consequence: missense variant.
Genome position (GRCh38, 1-based): chr1:241,517,204, C>T on the plus strand (G>A on the coding strand, the complement: FH is on the minus strand). VCF-style: chr1-241517204-C-T. GRCh37 (hg19) VCF-style: chr1-241680504-C-T.
Other names: short protein forms G82E.
Identifiers: ClinVar variation 580907 (VCV000580907.8), dbSNP rs1558402197, ClinGen allele CA345441687.
Genomic context (GRCh38, chr1:241,517,204, plus strand): 5'-CATCCAAAATAGCCAACATTTCCACAAATGCCACTTACTGGCATGCGTTCTGTCACACCT[C>T]CAATCTTAAAGTTCATCGTAGATCTCACGGTCTGGGCGCCATAATACTTATCATTTGGCA-3'
Protein context (NP_000134.2, residues 72-92): TVRSTMNFKI[Gly82Glu]GVTERMPTPV